The following is an entry in ClinVar:

ClinVar aggregate classification (germline): Uncertain significance (1 of 4 stars; one submission).

Conditions:
Hereditary cancer-predisposing syndrome. Also called: Hereditary neoplastic syndrome; Hereditary Cancer Syndrome; Neoplastic Syndromes, Hereditary; Tumor predisposition. Identifiers: Orphanet 140162, MedGen C0027672, MeSH D009386, MONDO:0015356.

Submission:

Ambry Genetics
Classification: Uncertain significance for Hereditary cancer-predisposing syndrome. Last evaluated: 2023-06-09. Review status: criteria provided, single submitter. Criteria: Ambry Variant Classification Scheme 2023. Collection method: clinical testing. Allele origin: germline.
Comment: The p.E69Q variant (also known as c.205G>C), located in coding exon 2 of the KIT gene, results from a G to C substitution at nucleotide position 205. The glutamic acid at codon 69 is replaced by glutamine, an amino acid with highly similar properties. This amino acid position is conserved. In addition, this alteration is predicted to be tolerated by in silico analysis. Since supporting evidence is limited at this time, the clinical significance of this alteration remains unclear.

NM_000222.3(KIT):c.205G>C (p.Glu69Gln)

Gene: KIT (KIT proto-oncogene, receptor tyrosine kinase; plus strand). Cytogenetic location: 4q12.
Variant type: single nucleotide variant.
Coding change: c.205G>C on transcript NM_000222.3 (MANE Select); coding-DNA position 205, G replaced by C.
Protein change: p.Glu69Gln; replaces glutamic acid 69 with glutamine.
Molecular consequence: missense variant.
Genome position (GRCh38, 1-based): chr4:54,695,649, G>C. VCF-style: chr4-54695649-G-C. GRCh37 (hg19) VCF-style: chr4-55561815-G-C.
Other names: c.205G>C, p.Glu69Gln (NM_001093772.2, NM_001385284.1, NM_001385285.1 and 4 more transcripts); short protein forms E69Q.
Identifiers: ClinVar variation 2568319 (VCV002568319.2), dbSNP rs2475441379, ClinGen allele CA356897056.